The following is an entry in ClinVar:

NM_015404.4(WHRN):c.1716C>T (p.Thr572=)

Gene: WHRN (whirlin; minus strand). Cytogenetic location: 9q32.
Variant type: single nucleotide variant.
Coding change: c.1716C>T on transcript NM_015404.4 (MANE Select); coding-DNA position 1716, C replaced by T.
Protein change: p.Thr572=; no amino-acid change (threonine 572 retained).
Molecular consequence: synonymous variant.
Genome position (GRCh38, 1-based): chr9:114,406,875, G>A on the plus strand (C>T on the coding strand, the complement: WHRN is on the minus strand). VCF-style: chr9-114406875-G-A. GRCh37 (hg19) VCF-style: chr9-117169155-G-A.
Other names: c.567C>T, p.Thr189= (NM_001083885.3); c.1716C>T, p.Thr572= (NM_001173425.2); c.663C>T, p.Thr221= (NM_001346890.1).
Identifiers: ClinVar variation 227287 (VCV000227287.22), dbSNP rs760471578, ClinGen allele CA5205825.
Genomic context (GRCh38, chr9:114,406,875, plus strand): 5'-GTTGCCTTGGGCCAGAGGTGGTGGGCGAGGCAGTGGCTTGAAGCTTGACAGCCCCTGGGA[G>A]GTGGATCTGACATCATCCTGCCAAAAGACCCAACAGGCGGAGAAGGAGTCAGACCCCATC-3'
Protein context (NP_056219.3, residues 562-582): PDVSVDDVRS[Thr572=]SQGLSSFKPL

ClinVar aggregate classification (germline): Conflicting classifications of pathogenicity. Review status: criteria provided, conflicting classifications (1 of 4 stars). 7 submissions from 6 submitters: Uncertain significance (2); Benign (1); Likely benign (4). Last evaluated 2026-08-24.

Conditions:
WHRN-related disorder. Also called: WHRN-related condition.
Autosomal recessive nonsyndromic hearing loss 31. Also called: WHIRLER, MOUSE, HOMOLOG OF. Identifiers: Orphanet 90636, MedGen C1846839, MONDO:0011767, OMIM 607084.
Usher syndrome type 2D. Also called: USHER SYNDROME, TYPE IID. Identifiers: Orphanet 231178, Orphanet 886, MedGen C1568249, MONDO:0012662, OMIM 611383.

Allele frequency attached by ClinVar (database versions not stated): gnomAD exomes 0.00005 and 0.00018; gnomAD 0.00007; TOPMed 0.00009; ExAC 0.00024; 1000 Genomes Project 30x 0.00047.
gnomAD v4.1: 95 of 1,580,804 alleles (0.006%); highest among the groups gnomAD compares: East Asian, 0.13%; 1 homozygote.

Submissions (7):

PreventionGenetics, part of Exact Sciences
Classification: Likely benign for WHRN-related condition. Last evaluated: 2026-08-24. Review status: criteria provided, single submitter. Criteria: ACMG Guidelines, 2015. Collection method: clinical testing. Allele origin: germline.
Comment: This variant is classified as likely benign based on ACMG/AMP sequence variant interpretation guidelines (Richards et al. 2015 PMID: 25741868, with internal and published modifications).

Labcorp Genetics (formerly Invitae), Labcorp
Classification: Benign. Last evaluated: 2026-02-04. Review status: criteria provided, single submitter. Criteria: Invitae Variant Classification Sherloc (09022015). Collection method: clinical testing. Allele origin: germline.

Blueprint Genetics
Classification: Likely benign. Last evaluated: 2022-11-03. Review status: criteria provided, single submitter. Criteria: ACMG Guidelines, 2015. Collection method: clinical testing. Allele origin: germline.

GeneDx
Classification: Likely benign. Last evaluated: 2021-02-17. Review status: criteria provided, single submitter. Criteria: GeneDx Variant Classification Process June 2021. Collection method: clinical testing. Allele origin: germline. Affected: yes.

Illumina Laboratory Services, Illumina
Classification: Uncertain significance for Autosomal recessive nonsyndromic hearing loss 31. Last evaluated: 2018-01-13. Review status: criteria provided, single submitter. Criteria: ICSL Variant Classification Criteria 13 December 2019. Collection method: clinical testing. Allele origin: germline.

Illumina Laboratory Services, Illumina
Classification: Uncertain significance for Usher syndrome type 2D. Last evaluated: 2018-01-13. Review status: criteria provided, single submitter. Criteria: ICSL Variant Classification Criteria 13 December 2019. Collection method: clinical testing. Allele origin: germline.

Laboratory for Molecular Medicine, Mass General Brigham Personalized Medicine
Classification: Likely benign. Last evaluated: 2015-11-05. Review status: criteria provided, single submitter. Criteria: LMM Criteria. Collection method: clinical testing. Allele origin: germline. Observed: 1 variant allele.
Comment: p.Thr572Thr in exon 9 of DFNB31: This variant is not expected to have clinical s ignificance because it does not alter an amino acid residue and is not located w ithin the splice consensus sequence. It has been identified in 0.3% (6/1974) of East Asian chromosomes by the Exome Aggregation Consortium (ExAC).